The following is an entry in ClinVar:

ClinVar aggregate classification (germline): Conflicting classifications of pathogenicity. Review status: criteria provided, conflicting classifications (1 of 4 stars). 3 submissions from 3 submitters: Uncertain significance (2); Likely benign (1). Last evaluated 2025-12-08.

Conditions:
Renal cell carcinoma. Identifiers: Orphanet 217071, MedGen C0007134, MeSH D002292, MONDO:0005086, HP:0005584.
Hereditary cancer-predisposing syndrome. Also called: Neoplastic Syndromes, Hereditary; Hereditary neoplastic syndrome; Tumor predisposition; Hereditary Cancer Syndrome. Identifiers: Orphanet 140162, MedGen C0027672, MeSH D009386, MONDO:0015356.

Allele frequency attached by ClinVar (database versions not stated): TOPMed below 0.00001; gnomAD exomes 0.00001 and 0.00002; ExAC 0.00003.
gnomAD v4.1: 6 of 1,613,760 alleles (0.00037%); highest among the groups gnomAD compares: Admixed American, 0.01%; no homozygotes.

Submissions (3):

Labcorp Genetics (formerly Invitae), Labcorp
Classification: Uncertain significance for Renal cell carcinoma. Last evaluated: 2025-12-08. Review status: criteria provided, single submitter. Criteria: Invitae Variant Classification Sherloc (09022015). Collection method: clinical testing. Allele origin: germline.
Comment: This sequence change replaces valine, which is neutral and non-polar, with leucine, which is neutral and non-polar, at codon 794 of the MET protein (p.Val794Leu). This variant is present in population databases (rs771976817, gnomAD 0.02%). This variant has not been reported in the literature in individuals affected with MET-related conditions. ClinVar contains an entry for this variant (Variation ID: 524852). Invitae Evidence Modeling of protein sequence and biophysical properties (such as structural, functional, and spatial information, amino acid conservation, physicochemical variation, residue mobility, and thermodynamic stability) indicates that this missense variant is not expected to disrupt MET protein function with a negative predictive value of 80%. In summary, the available evidence is currently insufficient to determine the role of this variant in disease. Therefore, it has been classified as a Variant of Uncertain Significance.

Quest Diagnostics Nichols Institute San Juan Capistrano
Classification: Uncertain significance. Last evaluated: 2025-03-07. Review status: criteria provided, single submitter. Criteria: Quest Diagnostics criteria. Collection method: clinical testing. Allele origin: unknown.

Ambry Genetics
Classification: Likely benign for Hereditary cancer-predisposing syndrome. Last evaluated: 2023-05-23. Review status: criteria provided, single submitter. Criteria: Ambry Variant Classification Scheme 2023. Collection method: clinical testing. Allele origin: germline.

NM_000245.4(MET):c.2326G>C (p.Val776Leu)

Gene: MET (MET proto-oncogene, receptor tyrosine kinase; plus strand). Cytogenetic location: 7q31.2.
Variant type: single nucleotide variant.
Coding change: c.2326G>C on transcript NM_000245.4 (MANE Select); coding-DNA position 2326, G replaced by C.
Protein change: p.Val776Leu; replaces valine 776 with leucine.
Molecular consequence: missense variant.
Genome position (GRCh38, 1-based): chr7:116,759,452, G>C. VCF-style: chr7-116759452-G-C. GRCh37 (hg19) VCF-style: chr7-116399506-G-C.
Other names: c.2380G>C, p.Val794Leu (NM_001127500.3); c.2326G>C, p.Val776Leu (NM_001324401.3); c.1036G>C, p.Val346Leu (NM_001324402.2); c.2380G>C (NM_001127500.2); short protein forms V794L, V346L, V776L.
Identifiers: ClinVar variation 524852 (VCV000524852.13), dbSNP rs771976817, ClinGen allele CA4448453.